The following is an entry in ClinVar:

NM_001005361.3(DNM2):c.1912G>A (p.Ala638Thr)

Gene: DNM2 (dynamin 2; plus strand). Cytogenetic location: 19p13.2.
Variant type: single nucleotide variant.
Coding change: c.1912G>A on transcript NM_001005361.3 (MANE Select); coding-DNA position 1912, G replaced by A.
Protein change: p.Ala638Thr; replaces alanine 638 with threonine.
Molecular consequence: missense variant.
Genome position (GRCh38, 1-based): chr19:10,825,075, G>A. VCF-style: chr19-10825075-G-A. GRCh37 (hg19) VCF-style: chr19-10935751-G-A.
Other names: c.1912G>A, p.Ala638Thr (NM_001005360.3, NM_001190716.2); c.1900G>A, p.Ala634Thr (NM_001005362.3, NM_004945.4); short protein forms A638T, A634T.
Identifiers: ClinVar variation 133981 (VCV000133981.15), dbSNP rs587778236, ClinGen allele CA158303.
Genomic context (GRCh38, chr19:10,825,075, plus strand): 5'-CAGGCCACAGTCACCCCTCAGCACCTCCCCTCCCGCTTGCAGGCAGAAAACGAGGATGGG[G>A]CCCAGGAGAACACCTTCTCCATGGACCCCCAACTGGAGCGGCAGGTGGAGACCATTCGCA-3'
Protein context (NP_001005361.1, residues 628-648): EKDQAENEDG[Ala638Thr]QENTFSMDPQ

ClinVar aggregate classification (germline): Conflicting classifications of pathogenicity. Review status: criteria provided, conflicting classifications (1 of 4 stars). 5 submissions from 5 submitters: Likely pathogenic (1); Uncertain significance (3). 1 of the submissions does not count toward it. Last evaluated 2026-01-07.

Conditions:
DNM2-related disorder. Also called: DNM2-related condition.
Charcot-Marie-Tooth disease dominant intermediate B (CMTDIB). Also called: Charcot-Marie-Tooth disease dominant intermediate I; Charcot-Marie-Tooth disease dominant intermediate 1; CMT DI1; CHARCOT-MARIE-TOOTH NEUROPATHY, DOMINANT INTERMEDIATE B. Identifiers: Orphanet 100044, Orphanet 228179, MedGen C1847902, MONDO:0011674, OMIM 606482.

Allele frequency attached by ClinVar (database versions not stated): gnomAD exomes below 0.00001; gnomAD 0.00002; TOPMed 0.00008.
gnomAD v4.1: 4 of 1,614,068 alleles (0.00025%); highest among the groups gnomAD compares: Admixed American, 0.0067%; no homozygotes.

Submissions (5):

PreventionGenetics, part of Exact Sciences
Classification: Uncertain significance for DNM2-related condition. Last evaluated: 2026-01-07. Review status: criteria provided, single submitter. Criteria: ACMG Guidelines, 2015. Collection method: clinical testing. Allele origin: germline.
Comment: The DNM2 c.1912G>A variant is predicted to result in the amino acid substitution p.Ala638Thr. To our knowledge, this variant has not been reported in the literature or in a large population database (gnomAD), indicating this variant is rare. At this time, the clinical significance of this variant is uncertain due to the absence of conclusive functional and genetic evidence.

Labcorp Genetics (formerly Invitae), Labcorp
Classification: Likely pathogenic for Charcot-Marie-Tooth disease dominant intermediate B. Last evaluated: 2025-03-17. Review status: criteria provided, single submitter. Criteria: Invitae Variant Classification Sherloc (09022015). Collection method: clinical testing. Allele origin: germline.
Comment: This sequence change replaces alanine, which is neutral and non-polar, with threonine, which is neutral and polar, at codon 638 of the DNM2 protein (p.Ala638Thr). This variant is not present in population databases (gnomAD no frequency). This missense change has been observed in individuals with clinical features of Charcot-Marie-Tooth disease (internal data). ClinVar contains an entry for this variant (Variation ID: 133981). Invitae Evidence Modeling of protein sequence and biophysical properties (such as structural, functional, and spatial information, amino acid conservation, physicochemical variation, residue mobility, and thermodynamic stability) indicates that this missense variant is not expected to disrupt DNM2 protein function with a negative predictive value of 95%. In summary, the currently available evidence indicates that the variant is pathogenic, but additional data are needed to prove that conclusively. Therefore, this variant has been classified as Likely Pathogenic.

Revvity Omics, Revvity
Classification: Uncertain significance. Last evaluated: 2019-09-17. Review status: criteria provided, single submitter. Criteria: ACMG Guidelines, 2015. Collection method: clinical testing. Allele origin: germline.

GeneDx
Classification: Uncertain significance. Last evaluated: 2016-03-23. Review status: criteria provided, single submitter. Criteria: GeneDx Variant Classification (06012015). Collection method: clinical testing. Allele origin: germline. Affected: yes.
Comment: The A638T variant has not been published as a pathogenic variant, nor has it been reported as a benign variant to our knowledge. It was not observed in approximately 6,500 individuals of European and African American ancestry in the NHLBI Exome Sequencing Project, indicating it is not a common benign variant in these populations. The A638T variant is a non-conservative amino acid substitution, which is likely to impact secondary protein structure as these residues differ in polarity, charge, size and/or other properties. However, this substitution occurs at a position that is not conserved, and in silico analysis predicts this variant likely does not alter the protein structure/function. Therefore, based on the currently available information, it is unclear whether this variant is a pathogenic variant or a rare benign variant

ITMI
No classification provided. Condition: AllHighlyPenetrant. Last evaluated: 2013-09-19. Review status: no classification provided. Collection method: reference population. Allele origin: germline. Not counted in ClinVar's aggregate classification.
Comment: Please see associated publication for description of ethnicities

Literature cited by the submitters: PubMed 24728327 (cited by ITMI).